The following is an entry in ClinVar:

ClinVar aggregate classification (germline): Uncertain significance. Review status: criteria provided, single submitter (1 of 4 stars). 2 submissions from 2 submitters: Uncertain significance (1). 1 of the submissions does not count toward it. Last evaluated 2022-11-22.

Conditions:
Decreased circulating carnitine concentration. Also called: Decreased plasma carnitine. Identifiers: MedGen C5848230, HP:0003234.
Renal carnitine transport defect (CDSP). Also called: Systemic primary carnitine deficiency; Carnitine transporter deficiency; Carnitine Deficiency, Systemic; Primary carnitine deficiency; CARNITINE DEFICIENCY, SYSTEMIC, DUE TO DEFECT IN RENAL REABSORPTION OF CARNITINE; CARNITINE TRANSPORTER, PLASMA-MEMBRANE, DEFICIENCY OF. Identifiers: Orphanet 158, MedGen C0342788, MONDO:0008919, OMIM 212140.

Allele frequency attached by ClinVar (database versions not stated): TOPMed below 0.00001; ExAC 0.00001; gnomAD exomes 0.00001 and 0.00002.
gnomAD v4.1: 12 of 1,614,168 alleles (0.00074%); highest among the groups gnomAD compares: East Asian, 0.0089%; 1 homozygote.

Submissions (2):

Labcorp Genetics (formerly Invitae), Labcorp
Classification: Uncertain significance for Renal carnitine transport defect. Last evaluated: 2022-11-22. Review status: criteria provided, single submitter. Criteria: Invitae Variant Classification Sherloc (09022015). Collection method: clinical testing. Allele origin: germline.
Comment: This variant is present in population databases (rs746559733, gnomAD 0.01%). ClinVar contains an entry for this variant (Variation ID: 966096). This variant has not been reported in the literature in individuals affected with SLC22A5-related conditions. This sequence change replaces asparagine, which is neutral and polar, with serine, which is neutral and polar, at codon 304 of the SLC22A5 protein (p.Asn304Ser). In summary, the available evidence is currently insufficient to determine the role of this variant in disease. Therefore, it has been classified as a Variant of Uncertain Significance. Advanced modeling of protein sequence and biophysical properties (such as structural, functional, and spatial information, amino acid conservation, physicochemical variation, residue mobility, and thermodynamic stability) performed at Invitae indicates that this missense variant is expected to disrupt SLC22A5 protein function.

Natera, Inc.
Classification: Uncertain significance for Carnitine deficiency. Last evaluated: 2020-08-29. Review status: no assertion criteria provided. Collection method: clinical testing. Allele origin: germline. Not counted in ClinVar's aggregate classification.

NM_003060.4(SLC22A5):c.911A>G (p.Asn304Ser)

Gene: SLC22A5 (solute carrier family 22 member 5; plus strand). Cytogenetic location: 5q31.1.
Variant type: single nucleotide variant.
Coding change: c.911A>G on transcript NM_003060.4 (MANE Select); coding-DNA position 911, A replaced by G.
Protein change: p.Asn304Ser; replaces asparagine 304 with serine.
Molecular consequence: missense variant.
Genome position (GRCh38, 1-based): chr5:132,387,111, A>G. VCF-style: chr5-132387111-A-G. GRCh37 (hg19) VCF-style: chr5-131722803-A-G.
Other names: c.983A>G, p.Asn328Ser (NM_001308122.2); short protein forms N328S, N304S.
Identifiers: ClinVar variation 966096 (VCV000966096.14), dbSNP rs746559733, ClinGen allele CA3404009.